The following is an entry in ClinVar:

ClinVar aggregate classification (germline): Uncertain significance. Review status: criteria provided, multiple submitters, no conflicts (2 of 4 stars). 2 submissions from 2 submitters: Uncertain significance (2). Last evaluated 2023-11-21.

Allele frequency attached by ClinVar (database versions not stated): gnomAD 0.00001; TOPMed 0.00001; gnomAD exomes 0.00002.
gnomAD v4.1: 17 of 1,202,625 alleles (0.0014%); highest among the groups gnomAD compares: Non-Finnish European, 0.0018%; no homozygotes.

Submissions (2):

GeneDx
Classification: Uncertain significance. Last evaluated: 2023-11-21. Review status: criteria provided, single submitter. Criteria: GeneDx Variant Classification Process June 2021. Collection method: clinical testing. Allele origin: germline. Affected: yes.
Comment: Not observed at significant frequency in large population cohorts (gnomAD); In silico analysis supports that this missense variant does not alter protein structure/function; Has not been previously published as pathogenic or benign to our knowledge

Genetic Services Laboratory, University of Chicago
Classification: Uncertain significance. Last evaluated: 2014-12-16. Review status: criteria provided, single submitter. Criteria: ACMG Guidelines, 2015. Collection method: clinical testing. Allele origin: germline.

NM_015107.3(PHF8):c.214C>A (p.His72Asn)

Gene: PHF8 (PHD finger protein 8; minus strand). Cytogenetic location: Xp11.22.
Variant type: single nucleotide variant.
Coding change: c.214C>A on transcript NM_015107.3 (MANE Select); coding-DNA position 214, C replaced by A.
Protein change: p.His72Asn; replaces histidine 72 with asparagine.
Molecular consequence: missense variant.
Genome position (GRCh38, 1-based): chrX:54,022,338, G>T on the plus strand (C>A on the coding strand, the complement: PHF8 is on the minus strand). VCF-style: chrX-54022338-G-T. GRCh37 (hg19) VCF-style: chrX-54048771-G-T.
Other names: c.322C>A, p.His108Asn (NM_001184896.1); c.214C>A, p.His72Asn (NM_001184897.2, NM_001184898.2); short protein forms H72N, H108N.
Identifiers: ClinVar variation 211902 (VCV000211902.7), dbSNP rs797045886, ClinGen allele CA205512.